The following is an entry in ClinVar:

NM_000245.4(MET):c.3014C>T (p.Ala1005Val)

Gene: MET (MET proto-oncogene, receptor tyrosine kinase; plus strand). Cytogenetic location: 7q31.2.
Variant type: single nucleotide variant.
Coding change: c.3014C>T on transcript NM_000245.4 (MANE Select); coding-DNA position 3014, C replaced by T.
Protein change: p.Ala1005Val; replaces alanine 1005 with valine.
Molecular consequence: missense variant.
Genome position (GRCh38, 1-based): chr7:116,771,975, C>T. VCF-style: chr7-116771975-C-T. GRCh37 (hg19) VCF-style: chr7-116412029-C-T.
Other names: c.3068C>T, p.Ala1023Val (NM_001127500.3); c.1724C>T, p.Ala575Val (NM_001324402.2); short protein forms A1005V, A1023V, A575V.
Identifiers: ClinVar variation 3232965 (VCV003232965.3), dbSNP rs777214043, ClinGen allele CA4448624.

ClinVar aggregate classification (germline): Uncertain significance. Review status: criteria provided, multiple submitters, no conflicts (2 of 4 stars). 2 submissions from 2 submitters: Uncertain significance (2). Last evaluated 2024-06-26.

Conditions:
Hereditary cancer-predisposing syndrome. Also called: Neoplastic Syndromes, Hereditary; Tumor predisposition; Hereditary neoplastic syndrome; Hereditary Cancer Syndrome. Identifiers: Orphanet 140162, MedGen C0027672, MeSH D009386, MONDO:0015356.
Renal cell carcinoma. Identifiers: Orphanet 217071, MedGen C0007134, MeSH D002292, MONDO:0005086, HP:0005584.

Allele frequency attached by ClinVar (database versions not stated): gnomAD exomes below 0.00001; ExAC 0.00001.
gnomAD v4.1: 1 of 1,613,774 alleles (0.000062%); highest among the groups gnomAD compares: East Asian, 0.0022%; no homozygotes.

Submissions (2):

Labcorp Genetics (formerly Invitae), Labcorp
Classification: Uncertain significance for Renal cell carcinoma. Last evaluated: 2024-06-26. Review status: criteria provided, single submitter. Criteria: Invitae Variant Classification Sherloc (09022015). Collection method: clinical testing. Allele origin: germline.
Comment: This sequence change replaces alanine, which is neutral and non-polar, with valine, which is neutral and non-polar, at codon 1023 of the MET protein (p.Ala1023Val). This variant is present in population databases (rs777214043, gnomAD 0.006%). This variant has not been reported in the literature in individuals affected with MET-related conditions. Advanced modeling of protein sequence and biophysical properties (such as structural, functional, and spatial information, amino acid conservation, physicochemical variation, residue mobility, and thermodynamic stability) performed at Invitae indicates that this missense variant is not expected to disrupt MET protein function with a negative predictive value of 80%. In summary, the available evidence is currently insufficient to determine the role of this variant in disease. Therefore, it has been classified as a Variant of Uncertain Significance.

Ambry Genetics
Classification: Uncertain significance for Hereditary cancer-predisposing syndrome. Last evaluated: 2023-11-01. Review status: criteria provided, single submitter. Criteria: Ambry Variant Classification Scheme 2023. Collection method: clinical testing. Allele origin: germline.
Comment: The p.A1023V variant (also known as c.3068C>T), located in coding exon 13 of the MET gene, results from a C to T substitution at nucleotide position 3068. The alanine at codon 1023 is replaced by valine, an amino acid with similar properties. This amino acid position is not well conserved in available vertebrate species. In addition, this alteration is predicted to be tolerated by in silico analysis. Since supporting evidence is limited at this time, the clinical significance of this alteration remains unclear.